The following is an entry in ClinVar:

ClinVar aggregate classification (germline): Conflicting classifications of pathogenicity. Review status: criteria provided, conflicting classifications (1 of 4 stars). 7 submissions from 7 submitters: Uncertain significance (2); Benign (1); Likely benign (2). 2 of the submissions do not count toward it. Last evaluated 2026-01-28.

Conditions:
Tuberous sclerosis 2 (TSC2). Identifiers: Orphanet 805, MedGen C1860707, MONDO:0013199, OMIM 613254.
Isolated focal cortical dysplasia type II (FCORD2). Also called: CORTICAL DYSPLASIA OF TAYLOR; Focal cortical dysplasia type II. Identifiers: Orphanet 268994, MedGen C1846385, MONDO:0011818, OMIM 607341, HP:0032051.
Lymphangiomyomatosis (LAM). Also called: Lymphangioleiomyomatosis; Lymphangioleiomyomatosis, somatic. Identifiers: Orphanet 538, MedGen C0751674, MONDO:0011705, OMIM 606690.
Tuberous sclerosis syndrome (TSC). Also called: Tuberous Sclerosis Complex; Tuberous sclerosis. Identifiers: Orphanet 805, MedGen C0041341, MONDO:0001734.

Allele frequency attached by ClinVar (database versions not stated): gnomAD 0.00001; gnomAD exomes 0.00001.
gnomAD v4.1: 5 of 1,614,012 alleles (0.00031%); highest among the groups gnomAD compares: East Asian, 0.0067%; no homozygotes.

Submissions (7):

Labcorp Genetics (formerly Invitae), Labcorp
Classification: Benign for Tuberous sclerosis 2. Last evaluated: 2026-01-28. Review status: criteria provided, single submitter. Criteria: Invitae Variant Classification Sherloc (09022015). Collection method: clinical testing. Allele origin: germline.

Myriad Genetics, Inc.
Classification: Likely benign for Tuberous sclerosis 2. Last evaluated: 2025-05-13. Review status: criteria provided, single submitter. Criteria: Myriad Autosomal Dominant, Autosomal Recessive and X-Linked Classification Criteria (2023). Collection method: clinical testing. Allele origin: unknown.
Comment: This variant is considered likely benign. This variant has been observed at a population frequency that is significantly greater than expected given the associated disease prevalence and penetrance.

All of Us Research Program, National Institutes of Health
Classification: Uncertain significance for Tuberous sclerosis syndrome. Last evaluated: 2023-11-30. Review status: criteria provided, single submitter. Criteria: ACMG Guidelines, 2015. Collection method: clinical testing. Allele origin: germline. Inheritance: Autosomal dominant inheritance. Observed: 2 variant alleles, 2 heterozygotes.
Comment: This missense variant replaces leucine with phenylalanine at codon 345 of the TSC2 protein. Computational prediction suggests that this variant may have deleterious impact on protein structure and function (internally defined REVEL score threshold >= 0.7, PMID: 27666373). To our knowledge, functional studies have not been reported for this variant. This variant has not been reported in individuals affected with TSC2-related disorders in the literature. This variant has been identified in 3/282760 chromosomes in the general population by the Genome Aggregation Database (gnomAD). The available evidence is insufficient to determine the role of this variant in disease conclusively. Therefore, this variant is classified as a Variant of Uncertain Significance.

This study involves interpretation of variants in research participants for the purpose of population health screening. Participant phenotype was not available at the time of variant classification. Additional details can be found in publication PMID: 35346344, PMCID: PMC8962531

Genome-Nilou Lab
Classification: Likely benign for Tuberous sclerosis 2. Last evaluated: 2021-11-07. Review status: criteria provided, single submitter. Criteria: ACMG Guidelines, 2015. Collection method: clinical testing. Allele origin: germline. Affected: no.

Fulgent Genetics
Classification: Uncertain significance for Lymphangiomyomatosis; Isolated focal cortical dysplasia type II; Tuberous sclerosis 2. Last evaluated: 2018-10-31. Review status: criteria provided, single submitter. Criteria: ACMG Guidelines, 2015. Collection method: clinical testing. Allele origin: unknown.

Department of Pathology and Laboratory Medicine, Sinai Health System
Classification: Uncertain significance. Review status: no assertion criteria provided. Collection method: clinical testing. Allele origin: unknown. Affected: yes. Study: The Canadian Open Genetics Repository (COGR). Not counted in ClinVar's aggregate classification.
Comment: The TSC2 p.Leu145Phe variant was identified in dbSNP (ID: rs397515146) as â€šÃ„ÃºWith Uncertain significance alleleâ€šÃ„Ã¹. The c.433C>T variant was identified in ClinVar and Clinvitae, and classified by Invitae as uncertain significance for Tuberous Sclerosis 2. The variant was identified in LOVD 3.0 as benign, and was reported in LOVD 2.0 in a patient diagnosed with Tuberous Sclerosis who was also found to have a TSC2 frameshift c.957_958del variant (Sancak_2005_PMID: 15798777) increasing the likelihood the c.433C>T variant may not have clinical significance. The variant was not identified in the Cosmic or MutDB databases. The variant was identified in control databases in 3 of 282760 chromosomes at a frequency of 0.000011 (Genome Aggregation Database Feb 27, 2017). The variant was only observed in one population: East Asian in 3 of 19952 chromosomes (freq: 0.00015), but not in the African, Latino, Ashkenazi Jewish, European (Finnish), European (non-Finnish), Other and South Asian populations. The p.Leu145 residue is not conserved in mammals and computational analyses (PolyPhen-2, SIFT, AlignGVGD, BLOSUM, and MutationTaster) provide inconsistent predictions regarding the impact to the protein; this information is not very predictive of pathogenicity. In summary, based on the above information the clinical significance of this variant cannot be determined with certainty at this time. This variant is classified as a variant of uncertain significance.

Tuberous sclerosis database (TSC2)
No classification provided. Condition: TSC. Review status: no classification provided. Criteria: Tuberous Sclerosis Database Assertion Criteria 2015. Collection method: curation. Allele origin: germline. Affected: yes. Not counted in ClinVar's aggregate classification.

NM_000548.5(TSC2):c.1033C>T (p.Leu345Phe)

Gene: TSC2 (TSC complex subunit 2; plus strand). Cytogenetic location: 16p13.3.
Variant type: single nucleotide variant.
Coding change: c.1033C>T on transcript NM_000548.5 (MANE Select); coding-DNA position 1033, C replaced by T.
Protein change: p.Leu345Phe; replaces leucine 345 with phenylalanine.
Molecular consequence: missense variant.
Genome position (GRCh38, 1-based): chr16:2,060,727, C>T. VCF-style: chr16-2060727-C-T. GRCh37 (hg19) VCF-style: chr16-2110728-C-T.
Other names: c.1033C>T, p.Leu345Phe (NM_001077183.3, NM_001114382.3, NM_001363528.2 and 3 more transcripts); c.922C>T, p.Leu308Phe (NM_001318827.2); c.886C>T, p.Leu296Phe (NM_001318829.2); c.433C>T, p.Leu145Phe (NM_001318831.2); c.1066C>T, p.Leu356Phe (NM_001318832.2); short protein forms L345F, L356F, L145F, L296F, L308F.
Identifiers: ClinVar variation 65196 (VCV000065196.15), dbSNP rs397515146, ClinGen allele CA013622.